The following is an entry in ClinVar:

NM_005428.4(VAV1):c.2113T>C (p.Phe705Leu)

Gene: VAV1 (vav guanine nucleotide exchange factor 1; plus strand). Cytogenetic location: 19p13.3.
Variant type: single nucleotide variant.
Coding change: c.2113T>C on transcript NM_005428.4 (MANE Select); coding-DNA position 2113, T replaced by C.
Protein change: p.Phe705Leu; replaces phenylalanine 705 with leucine.
Molecular consequence: missense variant.
Genome position (GRCh38, 1-based): chr19:6,848,098, T>C. VCF-style: chr19-6848098-T-C. GRCh37 (hg19) VCF-style: chr19-6848109-T-C.
Other names: c.2047T>C, p.Phe683Leu (NM_001258206.2); c.2017T>C, p.Phe673Leu (NM_001258207.2); short protein forms F673L, F683L, F705L.
Identifiers: ClinVar variation 2904313 (VCV002904313.3), dbSNP rs2512401879, ClinGen allele CA403635327.

ClinVar aggregate classification (germline): Uncertain significance (1 of 4 stars; one submission).

Allele frequency attached by ClinVar (database versions not stated): gnomAD exomes below 0.00001.
gnomAD v4.1: 1 of 1,553,474 alleles (0.000064%); highest among the groups gnomAD compares: Non-Finnish European, 0.000086%; no homozygotes.

Submission:

Labcorp Genetics (formerly Invitae), Labcorp
Classification: Uncertain significance. Last evaluated: 2023-01-25. Review status: criteria provided, single submitter. Criteria: Invitae Variant Classification Sherloc (09022015). Collection method: clinical testing. Allele origin: germline.
Comment: Algorithms developed to predict the effect of missense changes on protein structure and function are either unavailable or do not agree on the potential impact of this missense change (SIFT: "Deleterious"; PolyPhen-2: "Possibly Damaging"; Align-GVGD: "Class C0"). This variant has not been reported in the literature in individuals affected with VAV1-related conditions. This variant is not present in population databases (gnomAD no frequency). This sequence change replaces phenylalanine, which is neutral and non-polar, with leucine, which is neutral and non-polar, at codon 705 of the VAV1 protein (p.Phe705Leu). In summary, the available evidence is currently insufficient to determine the role of this variant in disease. Therefore, it has been classified as a Variant of Uncertain Significance.